The following is an entry in ClinVar:

NM_001042492.3(NF1):c.3425G>A (p.Arg1142Lys)

Gene: NF1 (neurofibromin 1; plus strand). Cytogenetic location: 17q11.2.
Variant type: single nucleotide variant.
Coding change: c.3425G>A on transcript NM_001042492.3 (MANE Select); coding-DNA position 3425, G replaced by A.
Protein change: p.Arg1142Lys; replaces arginine 1142 with lysine.
Molecular consequence: missense variant.
Genome position (GRCh38, 1-based): chr17:31,232,810, G>A. VCF-style: chr17-31232810-G-A. GRCh37 (hg19) VCF-style: chr17-29559828-G-A.
Other names: c.3425G>A, p.Arg1142Lys (NM_000267.4); short protein forms R1142K.
Identifiers: ClinVar variation 2110717 (VCV002110717.5), dbSNP rs2151434696, ClinGen allele CA398989219.

ClinVar aggregate classification (germline): Uncertain significance. Review status: criteria provided, multiple submitters, no conflicts (2 of 4 stars). 2 submissions from 2 submitters: Uncertain significance (2). Last evaluated 2025-06-23.

Conditions:
Neurofibromatosis, type 1 (NF1). Also called: NEUROFIBROMATOSIS, TYPE I, SOMATIC; Neurofibromatosis, type I; Peripheral type neurofibromatosis; VON RECKLINGHAUSEN DISEASE. Identifiers: Orphanet 636, MedGen C0027831, MONDO:0018975, OMIM 162200. Disease mechanism: loss of function.
Cardiovascular phenotype. Identifiers: MedGen CN230736.
Hereditary cancer-predisposing syndrome. Also called: Tumor predisposition; Hereditary Cancer Syndrome; Neoplastic Syndromes, Hereditary; Hereditary neoplastic syndrome. Identifiers: Orphanet 140162, MedGen C0027672, MeSH D009386, MONDO:0015356.

Submissions (2):

Ambry Genetics
Classification: Uncertain significance for Cardiovascular phenotype; Hereditary cancer-predisposing syndrome. Last evaluated: 2025-06-23. Review status: criteria provided, single submitter. Criteria: Ambry Variant Classification Scheme 2023. Collection method: clinical testing. Allele origin: germline.
Comment: The p.R1142K variant (also known as c.3425G>A), located in coding exon 26 of the NF1 gene, results from a G to A substitution at nucleotide position 3425. The arginine at codon 1142 is replaced by lysine, an amino acid with highly similar properties. This amino acid position is conserved. In addition, the in silico prediction for this alteration is inconclusive. Based on the available evidence, the clinical significance of this variant remains unclear.

Labcorp Genetics (formerly Invitae), Labcorp
Classification: Uncertain significance for Neurofibromatosis, type 1. Last evaluated: 2022-04-16. Review status: criteria provided, single submitter. Criteria: Invitae Variant Classification Sherloc (09022015). Collection method: clinical testing. Allele origin: germline.
Comment: This variant has not been reported in the literature in individuals affected with NF1-related conditions. This sequence change replaces arginine, which is basic and polar, with lysine, which is basic and polar, at codon 1142 of the NF1 protein (p.Arg1142Lys). This variant is not present in population databases (gnomAD no frequency). Advanced modeling of protein sequence and biophysical properties (such as structural, functional, and spatial information, amino acid conservation, physicochemical variation, residue mobility, and thermodynamic stability) performed at Invitae indicates that this missense variant is expected to disrupt NF1 protein function. In summary, the available evidence is currently insufficient to determine the role of this variant in disease. Therefore, it has been classified as a Variant of Uncertain Significance.